The following is an entry in ClinVar:

ClinVar aggregate classification (germline): Benign (0 of 4 stars; one submission).

Conditions:
LRP1B-related disorder. Also called: LRP1B-related condition.

Allele frequency attached by ClinVar (database versions not stated): TOPMed 0.52135; ESP Exome Variant Server 0.53275; gnomAD 0.53447; 1000 Genomes Project 30x 0.53873; 1000 Genomes Project 0.54313; ExAC 0.54899; gnomAD exomes 0.56328.
gnomAD v4.1: 901,891 of 1,611,062 alleles (56%); highest among the groups gnomAD compares: East Asian, 73%; 255,404 homozygotes.

Submission:

PreventionGenetics, part of Exact Sciences
Classification: Benign for LRP1B-related condition. Last evaluated: 2019-10-17. Review status: no assertion criteria provided. Collection method: clinical testing. Allele origin: germline.
Comment: This variant is classified as benign based on ACMG/AMP sequence variant interpretation guidelines (Richards et al. 2015 PMID: 25741868, with internal and published modifications).

NM_018557.3(LRP1B):c.8526T>C (p.Tyr2842=)

Gene: LRP1B (LDL receptor related protein 1B; minus strand). Cytogenetic location: 2q22.1.
Variant type: single nucleotide variant.
Coding change: c.8526T>C on transcript NM_018557.3 (MANE Select); coding-DNA position 8526, T replaced by C.
Protein change: p.Tyr2842=; no amino-acid change (tyrosine 2842 retained).
Molecular consequence: synonymous variant.
Genome position (GRCh38, 1-based): chr2:140,503,099, A>G on the plus strand (T>C on the coding strand, the complement: LRP1B is on the minus strand). VCF-style: chr2-140503099-A-G. GRCh37 (hg19) VCF-style: chr2-141260668-A-G.
Identifiers: ClinVar variation 3059780 (VCV003059780.2), dbSNP rs4444457, ClinGen allele CA1893949.